The following is an entry in ClinVar:

NM_004281.4(BAG3):c.118G>T (p.Val40Leu)

Gene: BAG3 (BAG cochaperone 3; plus strand). Cytogenetic location: 10q26.11.
Variant type: single nucleotide variant.
Coding change: c.118G>T on transcript NM_004281.4 (MANE Select); coding-DNA position 118, G replaced by T.
Protein change: p.Val40Leu; replaces valine 40 with leucine.
Molecular consequence: missense variant.
Genome position (GRCh38, 1-based): chr10:119,651,793, G>T. VCF-style: chr10-119651793-G-T. GRCh37 (hg19) VCF-style: chr10-121411305-G-T.
Other names: short protein forms V40L.
Identifiers: ClinVar variation 3752093 (VCV003752093.2).

ClinVar aggregate classification (germline): Uncertain significance (1 of 4 stars; one submission).

Conditions:
Myofibrillar myopathy 6. Identifiers: Orphanet 199340, MedGen C2751831, MONDO:0013061, OMIM 612954.
Dilated cardiomyopathy 1HH (CMD1HH). Identifiers: Orphanet 154, MedGen C3151293, MONDO:0013479, OMIM 613881.

Submission:

Labcorp Genetics (formerly Invitae), Labcorp
Classification: Uncertain significance for Dilated cardiomyopathy 1HH; Myofibrillar myopathy 6. Last evaluated: 2024-08-27. Review status: criteria provided, single submitter. Criteria: Invitae Variant Classification Sherloc (09022015). Collection method: clinical testing. Allele origin: germline.
Comment: This sequence change replaces valine, which is neutral and non-polar, with leucine, which is neutral and non-polar, at codon 40 of the BAG3 protein (p.Val40Leu). This variant is not present in population databases (gnomAD no frequency). This variant has not been reported in the literature in individuals affected with BAG3-related conditions. An algorithm developed to predict the effect of missense changes on protein structure and function (PolyPhen-2) suggests that this variant is likely to be disruptive. In summary, the available evidence is currently insufficient to determine the role of this variant in disease. Therefore, it has been classified as a Variant of Uncertain Significance.